The following is an entry in ClinVar:

NM_212482.4(FN1):c.6067G>A (p.Gly2023Ser)

Gene: FN1 (fibronectin 1; minus strand). Cytogenetic location: 2q35.
Variant type: single nucleotide variant.
Coding change: c.6067G>A on transcript NM_212482.4 (MANE Select); coding-DNA position 6067, G replaced by A.
Protein change: p.Gly2023Ser; replaces glycine 2023 with serine.
Molecular consequence: missense variant.
Genome position (GRCh38, 1-based): chr2:215,375,304, C>T on the plus strand (G>A on the coding strand, the complement: FN1 is on the minus strand). VCF-style: chr2-215375304-C-T. GRCh37 (hg19) VCF-style: chr2-216240027-C-T.
Other names: c.6067G>A, p.Gly2023Ser (NM_001306129.2); c.5797G>A, p.Gly1933Ser (NM_001306130.2, NM_001365517.2, NM_001365519.2 and 2 more transcripts); c.5524G>A, p.Gly1842Ser (NM_001306131.2, NM_001306132.2, NM_001365523.2 and 2 more transcripts); c.5794G>A, p.Gly1932Ser (NM_001365518.2, NM_001365520.2, NM_001365524.2 and 2 more transcripts); short protein forms G1932S, G1842S, G2023S, G1933S.
Identifiers: ClinVar variation 3019632 (VCV003019632.3), dbSNP rs759164727, ClinGen allele CA2093953.

ClinVar aggregate classification (germline): Uncertain significance (1 of 4 stars; one submission).

Allele frequency attached by ClinVar (database versions not stated): ExAC 0.00002.
gnomAD v4.1: 26 of 1,614,056 alleles (0.0016%); highest among the groups gnomAD compares: East Asian, 0.0089%; no homozygotes.

Submission:

Labcorp Genetics (formerly Invitae), Labcorp
Classification: Uncertain significance. Last evaluated: 2024-10-23. Review status: criteria provided, single submitter. Criteria: Invitae Variant Classification Sherloc (09022015). Collection method: clinical testing. Allele origin: germline.
Comment: This sequence change replaces glycine, which is neutral and non-polar, with serine, which is neutral and polar, at codon 2023 of the FN1 protein (p.Gly2023Ser). This variant is present in population databases (rs759164727, gnomAD 0.006%). This variant has not been reported in the literature in individuals affected with FN1-related conditions. An algorithm developed to predict the effect of missense changes on protein structure and function (PolyPhen-2) suggests that this variant is likely to be disruptive. In summary, the available evidence is currently insufficient to determine the role of this variant in disease. Therefore, it has been classified as a Variant of Uncertain Significance.